The following is an entry in ClinVar:

NC_000020.10:g.(?_3183839)_(3190283_?)dup

Genes: DDRGK1 (DDRGK domain containing 1; minus strand), ITPA (inosine triphosphatase; plus strand). Cytogenetic location: 20p13.
Variant type: Duplication.
Identifiers: ClinVar variation 2427136 (VCV002427136.5).

ClinVar aggregate classification (germline): Uncertain significance (1 of 4 stars; one submission).

Conditions:
Inosine triphosphatase deficiency. Also called: INOSINE TRIPHOSPHATE PYROPHOSPHOHYDROLASE DEFICIENCY. Identifiers: MedGen C0342800, MONDO:0013461, OMIM 613850.

Submission:

Labcorp Genetics (formerly Invitae), Labcorp
Classification: Uncertain significance for Inosine triphosphatase deficiency. Last evaluated: 2022-01-20. Review status: criteria provided, single submitter. Criteria: Invitae Variant Classification Sherloc (09022015). Collection method: clinical testing. Allele origin: germline.
Comment: In summary, the available evidence is currently insufficient to determine the role of this variant in disease. Therefore, it has been classified as a Variant of Uncertain Significance. Experimental studies and prediction algorithms are not available or were not evaluated, and the functional significance of this variant is currently unknown. This variant has not been reported in the literature in individuals affected with ITPA-related conditions. This variant results in a copy number gain of the genomic region encompassing exon(s) 1 of the ITPA gene. This region includes the initiator codon of the gene. This copy number gain extends beyond the assayed region for this gene and therefore may encompass additional genes. As the precise location of this event is unknown, it may be in tandem or it may be located elsewhere in the genome.